The following is an entry in ClinVar:

ClinVar aggregate classification (germline): Uncertain significance (1 of 4 stars; one submission).

Allele frequency attached by ClinVar (database versions not stated): gnomAD exomes below 0.00001; gnomAD 0.00001; TOPMed 0.00001.
gnomAD v4.1: 4 of 1,613,832 alleles (0.00025%); highest among the groups gnomAD compares: African/African-American, 0.0013%; no homozygotes.

Submission:

Labcorp Genetics (formerly Invitae), Labcorp
Classification: Uncertain significance. Last evaluated: 2023-04-23. Review status: criteria provided, single submitter. Criteria: Invitae Variant Classification Sherloc (09022015). Collection method: clinical testing. Allele origin: germline.
Comment: This sequence change replaces serine, which is neutral and polar, with phenylalanine, which is neutral and non-polar, at codon 886 of the COL4A2 protein (p.Ser886Phe). This variant is present in population databases (no rsID available, gnomAD 0.01%). This variant has not been reported in the literature in individuals affected with COL4A2-related conditions. Advanced modeling of protein sequence and biophysical properties (such as structural, functional, and spatial information, amino acid conservation, physicochemical variation, residue mobility, and thermodynamic stability) performed at Invitae indicates that this missense variant is not expected to disrupt COL4A2 protein function. In summary, the available evidence is currently insufficient to determine the role of this variant in disease. Therefore, it has been classified as a Variant of Uncertain Significance.

NM_001846.4(COL4A2):c.2657C>T (p.Ser886Phe)

Gene: COL4A2 (collagen type IV alpha 2 chain; plus strand). Cytogenetic location: 13q34.
Variant type: single nucleotide variant.
Coding change: c.2657C>T on transcript NM_001846.4 (MANE Select); coding-DNA position 2657, C replaced by T.
Protein change: p.Ser886Phe; replaces serine 886 with phenylalanine.
Molecular consequence: missense variant.
Genome position (GRCh38, 1-based): chr13:110,480,289, C>T. VCF-style: chr13-110480289-C-T. GRCh37 (hg19) VCF-style: chr13-111132636-C-T.
Other names: short protein forms S886F.
Identifiers: ClinVar variation 2887041 (VCV002887041.3), dbSNP rs1037576655, ClinGen allele CA256276891.